The following is an entry in ClinVar:

ClinVar aggregate classification (germline): Pathogenic. Review status: criteria provided, multiple submitters, no conflicts (2 of 4 stars). 8 submissions from 8 submitters: Pathogenic (6). 2 of the submissions do not count toward it. Last evaluated 2024-06-27.

Conditions:
ASPM-related disorder. Also called: ASPM-related condition.
Microcephaly 5, primary, autosomal recessive (MCPH5). Also called: ASPM Primary Microcephaly. Identifiers: Orphanet 2512, MedGen C1837501, MONDO:0012106, OMIM 608716.
Abnormality of the nervous system. Also called: Congenital nervous system disorder. Identifiers: MedGen C0497552, MONDO:0002320, HP:0000707.

Submissions (8):

3billion
Classification: Pathogenic for Microcephaly 5, primary, autosomal recessive. Last evaluated: 2024-06-27. Review status: criteria provided, single submitter. Criteria: ACMG Guidelines, 2015. Collection method: clinical testing. Allele origin: germline. Affected: yes.
Comment: The variant is observed at an extremely low frequency in the gnomAD v4.0.0 dataset (total allele frequency: <0.001%). Predicted Consequence/Location: Frameshift: predicted to result in a loss or disruption of normal protein function through nonsense-mediated decay (NMD) or protein truncation. Multiple pathogenic variants are reported downstream of the variant. The variant has been reported at least twice as pathogenic with clinical assertions and evidence for the classification (ClinVar ID: VCV000021560 /PMID: 14574646). Therefore, this variant is classified as Pathogenic according to the recommendation of ACMG/AMP guideline.

Genome-Nilou Lab
Classification: Pathogenic for Microcephaly 5, primary, autosomal recessive. Last evaluated: 2023-04-11. Review status: criteria provided, single submitter. Criteria: ACMG Guidelines, 2015. Collection method: clinical testing. Allele origin: germline. Affected: no.

Kariminejad - Najmabadi Pathology & Genetics Center
Classification: Pathogenic for Abnormality of the nervous system. Last evaluated: 2021-07-10. Review status: criteria provided, single submitter. Criteria: ACMG Guidelines, 2015. Collection method: clinical testing. Allele origin: germline. Affected: yes.

Blueprint Genetics
Classification: Pathogenic for ASPM-related disorders. Last evaluated: 2020-05-04. Review status: criteria provided, single submitter. Criteria: ACMG Guidelines, 2015. Collection method: clinical testing. Allele origin: germline. Affected: yes. Observed: 1 variant allele.

GeneDx
Classification: Pathogenic. Last evaluated: 2014-05-09. Review status: criteria provided, single submitter. Criteria: GeneDx Variant Classification (06012015). Collection method: clinical testing. Allele origin: germline. Affected: yes.
Comment: The c.1959_1962delCAAA mutation in the ASPM gene has been reported previously in association with primary microcephaly (Bond et al., 2003). The deletion of four bases causes a frameshift starting with codon Asparagine 653, changes this amino acid to a Lysine residue and creates a premature Stop codon at position 14 of the new reading frame, denoted p.Asn653LysfsX14 (N653KfsX14). This mutation is predicted to cause loss of normal protein function either through protein truncation or nonsense-mediated mRNA decay.

Genetic Services Laboratory, University of Chicago
Classification: Pathogenic for Microcephaly 5, primary, autosomal recessive. Last evaluated: 2013-02-08. Review status: criteria provided, single submitter. Criteria: ACMG Guidelines, 2007. Collection method: clinical testing. Allele origin: germline. Inheritance: Autosomal recessive inheritance. Affected: yes.

Biochemical Molecular Genetic Laboratory, King Abdulaziz Medical City
Classification: Likely pathogenic for Microcephaly 5, primary, autosomal recessive. Last evaluated: 2020-11-12. Review status: no assertion criteria provided. Collection method: clinical testing. Allele origin: germline. Affected: yes. Not counted in ClinVar's aggregate classification.

GeneReviews
No classification provided. Condition: Microcephaly 5, primary, autosomal recessive. Review status: no classification provided. Collection method: literature only. Allele origin: unknown. Not counted in ClinVar's aggregate classification.

Literature cited by the submitters: PubMed 14574646 (cited by 3billion); PubMed 20301772 (cited by GeneReviews); NCBI Bookshelf NBK9587 (cited by GeneReviews).

NM_018136.5(ASPM):c.1959_1962del (p.Asn653fs)

Gene: ASPM (assembly factor for spindle microtubules; minus strand). Cytogenetic location: 1q31.3.
Variant type: Microsatellite.
Coding change: c.1959_1962del on transcript NM_018136.5 (MANE Select); coding-DNA positions 1959 to 1962, 4 bases deleted (CAAA; older notation c.1959_1962delCAAA).
Protein change: p.Asn653fs; shifts the reading frame from asparagine 653.
Molecular consequence: frameshift variant.
Genome position (GRCh38, 1-based): chr1:197,139,831-197,139,834, TTTG deleted on the plus strand (CAAA on the coding strand, the reverse complement: ASPM is on the minus strand); deleting any 4 consecutive bases within chr1:197,139,831-197,139,841 gives the same sequence; the c. name uses the placement nearest the transcript's 3' end. VCF-style (leftmost placement, unchanged base first): chr1-197139830-TTTTG-T. GRCh37 (hg19) VCF-style: chr1-197108960-TTTTG-T.
Other names: c.1959_1962del, p.Asn653fs (NM_001206846.2); c.1959_1962delCAAA (NM_018136.5); short protein forms N653fs.
Identifiers: ClinVar variation 21560 (VCV000021560.30), dbSNP rs199422147, ClinGen allele CA342222.